The following is an entry in ClinVar:

NM_000235.4(LIPA):c.1120C>T (p.His374Tyr)

Gene: LIPA (lipase A, lysosomal acid type; minus strand). Cytogenetic location: 10q23.31.
Variant type: single nucleotide variant.
Coding change: c.1120C>T on transcript NM_000235.4 (MANE Select); coding-DNA position 1120, C replaced by T.
Protein change: p.His374Tyr; replaces histidine 374 with tyrosine.
Molecular consequence: missense variant.
Genome position (GRCh38, 1-based): chr10:89,214,908, G>A on the plus strand (C>T on the coding strand, the complement: LIPA is on the minus strand). VCF-style: chr10-89214908-G-A. GRCh37 (hg19) VCF-style: chr10-90974665-G-A.
Other names: p.His374Tyr; c.1120C>T, p.His374Tyr (NM_001127605.3); c.772C>T, p.His258Tyr (NM_001288979.2); c.1120C>T (NM_000235.2); short protein forms H374Y, H258Y.
Identifiers: ClinVar variation 695036 (VCV000695036.7), dbSNP rs367664486, ClinGen allele CA5593503.

ClinVar aggregate classification (germline): Conflicting classifications of pathogenicity. Review status: criteria provided, conflicting classifications (1 of 4 stars). 5 submissions from 5 submitters: Likely pathogenic (3); Uncertain significance (2). Last evaluated 2026-06-25.

Conditions:
Wolman disease (WOLD). Also called: LYSOSOMAL ACID LIPASE DEFICIENCY, ACUTE INFANTILE; LYSOSOMAL ACID LIPASE DEFICIENCY, COMPLETE; LIPA DEFICIENCY, COMPLETE; LAL DEFICIENCY, COMPLETE; CHOLESTEROL ESTER HYDROLASE DEFICIENCY, COMPLETE; Wolman disease with hypolipoproteinemia and acanthocytosis. Identifiers: Orphanet 75233, MedGen C0043208, MONDO:0019148, OMIM 620151.
Lysosomal acid lipase deficiency. Also called: Acid cholesteryl ester hydrolase deficiency, type 2. Identifiers: Orphanet 275761, MedGen C5574740, MONDO:0800449, MONDO:0010204.
Cardiovascular phenotype. Identifiers: MedGen CN230736.

Allele frequency attached by ClinVar (database versions not stated): ExAC 0.00001; gnomAD exomes 0.00001; ESP Exome Variant Server 0.00008; TOPMed below 0.00001.
gnomAD v4.1: 12 of 1,613,990 alleles (0.00074%); highest among the groups gnomAD compares: Non-Finnish European, 0.001%; no homozygotes.

Submissions (5):

Ambry Genetics
Classification: Likely pathogenic for Cardiovascular phenotype. Last evaluated: 2026-06-25. Review status: criteria provided, single submitter. Criteria: Ambry Variant Classification Scheme 2023. Collection method: clinical testing. Allele origin: germline.
Comment: The p.H374Y variant (also known as c.1120C>T), located in coding exon 9 of the LIPA gene, results from a C to T substitution at nucleotide position 1120. The histidine at codon 374 is replaced by tyrosine, an amino acid with similar properties. Another variant at the same codon, p.H374Q (c.1122T>G), has been identified in individual(s) with features consistent with Lysosomal acid lipase deficiency (Elaraby NM et al. J Mol Neurosci, 2023 Aug;73:598-607). In an assay testing LIPA function, this variant showed a functionally indeterminant result (Del Angel G et al. Hum Mutat, 2019 Nov;40:2007-2020). This amino acid position is highly conserved in available vertebrate species. In addition, this alteration is predicted to be deleterious by in silico analysis. This variant is considered to be rare based on population cohorts in the Genome Aggregation Database (gnomAD). Based on the majority of available evidence to date, this variant is likely to be pathogenic.

Women's Health and Genetics/Laboratory Corporation of America, LabCorp
Classification: Uncertain significance. Last evaluated: 2025-10-17. Review status: criteria provided, single submitter. Criteria: LabCorp Variant Classification Summary - May 2015. Collection method: clinical testing. Allele origin: germline.
Comment: Variant summary: LIPA c.1120C>T (p.His374Tyr) results in a conservative amino acid change in the encoded protein sequence. Algorithms developed to predict the effect of missense changes on protein structure and function are either unavailable or do not agree on the potential impact of this missense change. The variant allele was found at a frequency of 8e-06 in 251446 control chromosomes. The available data on variant occurrences in the general population are insufficient to allow any conclusion about variant significance. To our knowledge, no occurrence of c.1120C>T in individuals affected with LIPA-related conditions has been reported. At least one publication reports experimental evidence evaluating an impact on protein function, however, does not allow convincing conclusions about the variant effect (DelAngel_2020). The following publication has been ascertained in the context of this evaluation (PMID: 31180157). ClinVar contains an entry for this variant (Variation ID: 695036). Based on the evidence outlined above, the variant was classified as uncertain significance.

Mayo Clinic Laboratories, Mayo Clinic
Classification: Likely pathogenic. Last evaluated: 2022-09-15. Review status: criteria provided, single submitter. Criteria: ACMG Guidelines, 2015. Collection method: clinical testing. Allele origin: germline. Observed: 1 variant allele.
Comment: PP3, PP4, PM2, PM3_supporting, PS3

Labcorp Genetics (formerly Invitae), Labcorp
Classification: Uncertain significance for Wolman disease. Last evaluated: 2021-12-22. Review status: criteria provided, single submitter. Criteria: Invitae Variant Classification Sherloc (09022015). Collection method: clinical testing. Allele origin: germline.
Comment: This sequence change replaces histidine, which is basic and polar, with tyrosine, which is neutral and polar, at codon 374 of the LIPA protein (p.His374Tyr). This variant is present in population databases (rs367664486, gnomAD 0.002%). This variant has not been reported in the literature in individuals affected with LIPA-related conditions. ClinVar contains an entry for this variant (Variation ID: 695036). Algorithms developed to predict the effect of missense changes on protein structure and function are either unavailable or do not agree on the potential impact of this missense change (SIFT: "Deleterious"; PolyPhen-2: "Probably Damaging"; Align-GVGD: "Class C0"). Experimental studies have shown that this missense change affects LIPA function (PMID: 3118057). In summary, the available evidence is currently insufficient to determine the role of this variant in disease. Therefore, it has been classified as a Variant of Uncertain Significance.

Alexion, Astrazeneca Rare Disease, Astrazeneca
Classification: Likely pathogenic for Lysosomal acid lipase deficiency. Last evaluated: 2019-06-01. Review status: criteria provided, single submitter. Criteria: ACMG Guidelines, 2015. Collection method: research. Allele origin: germline.
Comment: ACMG PS3 criterion ascertained by in-vitro functional study, PMID:31180157

Literature cited by the submitters: PubMed 31180157 (cited by 4 submitters); PubMed 3118057 (cited by Labcorp Genetics (formerly Invitae), Labcorp).